The following is an entry in ClinVar:

NM_032634.4(PIGO):c.2192G>A (p.Arg731His)

Gene: PIGO (phosphatidylinositol glycan anchor biosynthesis class O; minus strand). Cytogenetic location: 9p13.3.
Variant type: single nucleotide variant.
Coding change: c.2192G>A on transcript NM_032634.4 (MANE Select); coding-DNA position 2192, G replaced by A.
Protein change: p.Arg731His; replaces arginine 731 with histidine.
Molecular consequence: missense variant. On other transcripts: intron variant (2).
Genome position (GRCh38, 1-based): chr9:35,091,695, C>T on the plus strand (G>A on the coding strand, the complement: PIGO is on the minus strand). VCF-style: chr9-35091695-C-T. GRCh37 (hg19) VCF-style: chr9-35091692-C-T.
Other names: c.1345-404G>A (NM_152850.4, NM_001201484.2); short protein forms R731H.
Identifiers: ClinVar variation 540453 (VCV000540453.6), dbSNP rs946030670, ClinGen allele CA5040476.
Genomic context (GRCh38, chr9:35,091,695, plus strand): 5'-GCCAGCCCTGCTACAGCCCGAGGCAGCACCATGGATGCCCCAGAGACCAGGACCCGGAGA[C>T]GGGGGGGAGCCTCATCTGCCCCCGACGCCAATGCCCAGTAGGCAGCAGTACCCAATGCCA-3'
Protein context (NP_116023.2, residues 721-741): LASGADEAPP[Arg731His]LRVLVSGASM

ClinVar aggregate classification (germline): Uncertain significance (1 of 4 stars; one submission).

Conditions:
Hyperphosphatasia with impaired intellectual development syndrome 2. Also called: Hyperphosphatasia with intellectual disability syndrome 2; GLYCOSYLPHOSPHATIDYLINOSITOL BIOSYNTHESIS DEFECT 6. Identifiers: Orphanet 247262, MedGen C3553637, MONDO:0013882, OMIM 614749.

Allele frequency attached by ClinVar (database versions not stated): TOPMed 0.00001.
gnomAD v4.1: 30 of 1,612,262 alleles (0.0019%); highest among the groups gnomAD compares: East Asian, 0.042%; no homozygotes.

Submission:

Labcorp Genetics (formerly Invitae), Labcorp
Classification: Uncertain significance for Hyperphosphatasia with impaired intellectual development syndrome 2. Last evaluated: 2022-02-06. Review status: criteria provided, single submitter. Criteria: Invitae Variant Classification Sherloc (09022015). Collection method: clinical testing. Allele origin: germline.
Comment: This variant has not been reported in the literature in individuals affected with PIGO-related conditions. This variant is present in population databases (no rsID available, gnomAD 0.02%). This sequence change replaces arginine, which is basic and polar, with histidine, which is basic and polar, at codon 731 of the PIGO protein (p.Arg731His). ClinVar contains an entry for this variant (Variation ID: 540453). Algorithms developed to predict the effect of missense changes on protein structure and function (SIFT, PolyPhen-2, Align-GVGD) all suggest that this variant is likely to be tolerated. In summary, the available evidence is currently insufficient to determine the role of this variant in disease. Therefore, it has been classified as a Variant of Uncertain Significance.